The following is an entry in ClinVar:

ClinVar aggregate classification (germline): Uncertain significance. Review status: criteria provided, multiple submitters, no conflicts (2 of 4 stars). 2 submissions from 2 submitters: Uncertain significance (2). Last evaluated 2026-04-03.

Conditions:
ALPK1-related disorder. Also called: ALPK1-related condition.

Allele frequency attached by ClinVar (database versions not stated): gnomAD exomes below 0.00001; ExAC 0.00001; gnomAD 0.00001; TOPMed 0.00013.
gnomAD v4.1: 22 of 1,613,984 alleles (0.0014%); highest among the groups gnomAD compares: Admixed American, 0.0017%; no homozygotes.

Submissions (2):

PreventionGenetics, part of Exact Sciences
Classification: Uncertain significance for ALPK1-related condition. Last evaluated: 2026-04-03. Review status: criteria provided, single submitter. Criteria: ACMG Guidelines, 2015. Collection method: clinical testing. Allele origin: germline.
Comment: The ALPK1 c.2455A>G variant is predicted to result in the amino acid substitution p.Ser819Gly. To our knowledge, this variant has not been reported in the literature. This variant is reported in 0.0029% of alleles in individuals of Latino descent in gnomAD. At this time, the clinical significance of this variant is uncertain due to the absence of conclusive functional and genetic evidence.

Labcorp Genetics (formerly Invitae), Labcorp
Classification: Uncertain significance. Last evaluated: 2025-09-08. Review status: criteria provided, single submitter. Criteria: Invitae Variant Classification Sherloc (09022015). Collection method: clinical testing. Allele origin: germline.
Comment: This sequence change replaces serine, which is neutral and polar, with glycine, which is neutral and non-polar, at codon 819 of the ALPK1 protein (p.Ser819Gly). This variant is present in population databases (rs762565492, gnomAD 0.003%). This variant has not been reported in the literature in individuals affected with ALPK1-related conditions. ClinVar contains an entry for this variant (Variation ID: 2190922). Invitae Evidence Modeling of protein sequence and biophysical properties (such as structural, functional, and spatial information, amino acid conservation, physicochemical variation, residue mobility, and thermodynamic stability) indicates that this missense variant is not expected to disrupt ALPK1 protein function with a negative predictive value of 80%. In summary, the available evidence is currently insufficient to determine the role of this variant in disease. Therefore, it has been classified as a Variant of Uncertain Significance.

NM_025144.4(ALPK1):c.2455A>G (p.Ser819Gly)

Gene: ALPK1 (alpha kinase 1; plus strand). Cytogenetic location: 4q25.
Variant type: single nucleotide variant.
Coding change: c.2455A>G on transcript NM_025144.4 (MANE Select); coding-DNA position 2455, A replaced by G.
Protein change: p.Ser819Gly; replaces serine 819 with glycine.
Molecular consequence: missense variant.
Genome position (GRCh38, 1-based): chr4:112,432,002, A>G. VCF-style: chr4-112432002-A-G. GRCh37 (hg19) VCF-style: chr4-113353158-A-G.
Other names: c.2455A>G, p.Ser819Gly (NM_001102406.2); c.2221A>G, p.Ser741Gly (NM_001253884.2); c.2455A>G (NM_001102406.1); short protein forms S741G, S819G.
Identifiers: ClinVar variation 2190922 (VCV002190922.5), dbSNP rs762565492, ClinGen allele CA3046920.